The following is an entry in ClinVar:

NM_013291.3(CPSF1):c.3279G>A (p.Glu1093=)

Gene: CPSF1 (cleavage and polyadenylation specific factor 1; minus strand). Cytogenetic location: 8q24.3.
Variant type: single nucleotide variant.
Coding change: c.3279G>A on transcript NM_013291.3 (MANE Select); coding-DNA position 3279, G replaced by A.
Protein change: p.Glu1093=; no amino-acid change (glutamic acid 1093 retained).
Molecular consequence: synonymous variant.
Genome position (GRCh38, 1-based): chr8:144,395,017, C>T on the plus strand (G>A on the coding strand, the complement: CPSF1 is on the minus strand). VCF-style: chr8-144395017-C-T. GRCh37 (hg19) VCF-style: chr8-145620232-C-T.
Identifiers: ClinVar variation 4981653 (VCV004981653.1).

ClinVar aggregate classification (germline): Likely benign (1 of 4 stars; one submission).

Conditions:
CPSF1-related disorder. Also called: CPSF1-related condition.

Submission:

PreventionGenetics, part of Exact Sciences
Classification: Likely benign for CPSF1-related condition. Last evaluated: 2026-08-04. Review status: criteria provided, single submitter. Criteria: ACMG Guidelines, 2015. Collection method: clinical testing. Allele origin: germline.
Comment: This variant is classified as likely benign based on ACMG/AMP sequence variant interpretation guidelines (Richards et al. 2015 PMID: 25741868, with internal and published modifications).